The following is an entry in ClinVar:

ClinVar aggregate classification (germline): Uncertain significance (1 of 4 stars; one submission).

Conditions:
Duchenne muscular dystrophy (DMD). Also called: MUSCULAR DYSTROPHY, PSEUDOHYPERTROPHIC PROGRESSIVE, DUCHENNE TYPE; Duchenne Muscular Dystrophy (DMD). Identifiers: Orphanet 98896, MedGen C0013264, MONDO:0010679, OMIM 310200.

Allele frequency attached by ClinVar (database versions not stated): gnomAD 0.00001; TOPMed 0.00001.
gnomAD v4.1: 1 of 1,204,365 alleles (0.000083%); highest among the groups gnomAD compares: African/African-American, 0.0018%; no homozygotes.

Submission:

Labcorp Genetics (formerly Invitae), Labcorp
Classification: Uncertain significance for Duchenne muscular dystrophy. Last evaluated: 2025-05-18. Review status: criteria provided, single submitter. Criteria: Invitae Variant Classification Sherloc (09022015). Collection method: clinical testing. Allele origin: germline.
Comment: This sequence change replaces proline, which is neutral and non-polar, with serine, which is neutral and polar, at codon 63 of the DMD protein (p.Pro63Ser). This variant is not present in population databases (gnomAD no frequency). This variant has not been reported in the literature in individuals affected with DMD-related conditions. ClinVar contains an entry for this variant (Variation ID: 1397782). An algorithm developed to predict the effect of missense changes on protein structure and function (PolyPhen-2) suggests that this variant is likely to be disruptive. In summary, the available evidence is currently insufficient to determine the role of this variant in disease. Therefore, it has been classified as a Variant of Uncertain Significance.

NM_004006.3(DMD):c.187C>T (p.Pro63Ser)

Gene: DMD (dystrophin; minus strand). Cytogenetic location: Xp21.1.
Variant type: single nucleotide variant.
Coding change: c.187C>T on transcript NM_004006.3 (MANE Select); coding-DNA position 187, C replaced by T.
Protein change: p.Pro63Ser; replaces proline 63 with serine.
Molecular consequence: missense variant. On other transcripts: 5 prime UTR variant (1).
Genome position (GRCh38, 1-based): chrX:32,844,860, G>A on the plus strand (C>T on the coding strand, the complement: DMD is on the minus strand). VCF-style: chrX-32844860-G-A. GRCh37 (hg19) VCF-style: chrX-32862977-G-A.
Other names: c.163C>T, p.Pro55Ser (NM_000109.4); c.175C>T, p.Pro59Ser (NM_004009.3); c.-183C>T (NM_004010.3); short protein forms P55S, P59S, P63S.
Identifiers: ClinVar variation 1397782 (VCV001397782.6), dbSNP rs1386946939, ClinGen allele CA412674798.